The following is an entry in ClinVar:

NM_005591.4(MRE11):c.485T>C (p.Ile162Thr)

Gene: MRE11 (MRE11 double strand break repair nuclease; minus strand). Cytogenetic location: 11q21.
Variant type: single nucleotide variant.
Coding change: c.485T>C on transcript NM_005591.4 (MANE Select); coding-DNA position 485, T replaced by C.
Protein change: p.Ile162Thr; replaces isoleucine 162 with threonine.
Molecular consequence: missense variant.
Genome position (GRCh38, 1-based): chr11:94,478,794, A>G on the plus strand (T>C on the coding strand, the complement: MRE11 is on the minus strand). VCF-style: chr11-94478794-A-G. GRCh37 (hg19) VCF-style: chr11-94211960-A-G.
Other names: c.485T>C, p.Ile162Thr (NM_001330347.2, NM_005590.4); short protein forms I162T.
Identifiers: ClinVar variation 187574 (VCV000187574.14), dbSNP rs150656288, ClinGen allele CA197993.

ClinVar aggregate classification (germline): Uncertain significance. Review status: criteria provided, multiple submitters, no conflicts (2 of 4 stars). 4 submissions from 4 submitters: Uncertain significance (4). Last evaluated 2024-11-01.

Conditions:
Ataxia-telangiectasia-like disorder (ATLD). Identifiers: MedGen C1858391, MONDO:0011457.
Hereditary cancer-predisposing syndrome. Also called: Neoplastic Syndromes, Hereditary; Tumor predisposition; Hereditary Cancer Syndrome; Hereditary neoplastic syndrome. Identifiers: Orphanet 140162, MedGen C0027672, MeSH D009386, MONDO:0015356.
Ataxia-telangiectasia-like disorder 1 (ATLD1). Identifiers: Orphanet 251347, MedGen C4012790, MONDO:0024557, OMIM 604391.

Allele frequency attached by ClinVar (database versions not stated): gnomAD exomes below 0.00001; TOPMed 0.00002; gnomAD 0.00003 and 0.00004; ESP Exome Variant Server 0.00008.
gnomAD v4.1: 6 of 1,613,612 alleles (0.00037%); highest among the groups gnomAD compares: African/African-American, 0.0067%; no homozygotes.

Submissions (4):

Quest Diagnostics Nichols Institute San Juan Capistrano
Classification: Uncertain significance. Last evaluated: 2024-11-01. Review status: criteria provided, single submitter. Criteria: Quest Diagnostics criteria. Collection method: clinical testing. Allele origin: unknown.
Comment: The MRE11 c.485T>C (p.Ile162Thr) variant has been reported in the published literature in a reportedly healthy individual (PMID: 33471991 (2021), see also LOVD). This variant has also been reported in a cohort of African men with prostate cancer and reportedly healthy individuals (PMID: 32832836 (2020)). The frequency of this variant in the general population, 0.000004 (1/251046 chromosomes (Genome Aggregation Database)), is uninformative in the assessment of its pathogenicity. Analysis of this variant using bioinformatics tools for the prediction of the effect of amino acid changes on protein structure and function yielded predictions that this variant is damaging. Based on the available information, we are unable to determine the clinical significance of this variant.

Baylor Genetics
Classification: Uncertain significance for Ataxia-telangiectasia-like disorder 1. Last evaluated: 2023-08-29. Review status: criteria provided, single submitter. Criteria: ACMG Guidelines, 2015. Collection method: clinical testing. Allele origin: unknown.

Ambry Genetics
Classification: Uncertain significance for Hereditary cancer-predisposing syndrome. Last evaluated: 2023-06-07. Review status: criteria provided, single submitter. Criteria: Ambry Variant Classification Scheme 2023. Collection method: clinical testing. Allele origin: germline.
Comment: The p.I162T variant (also known as c.485T>C), located in coding exon 5 of the MRE11A gene, results from a T to C substitution at nucleotide position 485. The isoleucine at codon 162 is replaced by threonine, an amino acid with similar properties. In one study, this variant was reported in 0/60,466 breast cancer cases and in 1/53,461 controls (Dorling et al. N Engl J Med. 2021 02;384:428-439). This amino acid position is well conserved in available vertebrate species. In addition, this alteration is predicted to be deleterious by in silico analysis. Since supporting evidence is limited at this time, the clinical significance of this alteration remains unclear.

Labcorp Genetics (formerly Invitae), Labcorp
Classification: Uncertain significance for Ataxia-telangiectasia-like disorder. Last evaluated: 2022-10-21. Review status: criteria provided, single submitter. Criteria: Invitae Variant Classification Sherloc (09022015). Collection method: clinical testing. Allele origin: germline.
Comment: This sequence change replaces isoleucine, which is neutral and non-polar, with threonine, which is neutral and polar, at codon 162 of the MRE11 protein (p.Ile162Thr). This variant is present in population databases (rs150656288, gnomAD 0.007%). This variant has not been reported in the literature in individuals affected with MRE11-related conditions. ClinVar contains an entry for this variant (Variation ID: 187574). Algorithms developed to predict the effect of missense changes on protein structure and function are either unavailable or do not agree on the potential impact of this missense change (SIFT: "Deleterious"; PolyPhen-2: "Probably Damaging"; Align-GVGD: "Class C15"). In summary, the available evidence is currently insufficient to determine the role of this variant in disease. Therefore, it has been classified as a Variant of Uncertain Significance.

Literature cited by the submitters: PubMed 33471991 (cited by Quest Diagnostics Nichols Institute San Juan Capistrano and Ambry Genetics); PubMed 32832836 (cited by Quest Diagnostics Nichols Institute San Juan Capistrano).